The following is an entry in ClinVar:

NM_152564.5(VPS13B):c.5711C>T (p.Ala1904Val)

Gene: VPS13B (vacuolar protein sorting 13 homolog B; plus strand). Cytogenetic location: 8q22.2.
Variant type: single nucleotide variant.
Coding change: c.5711C>T on transcript NM_152564.5 (MANE Select); coding-DNA position 5711, C replaced by T.
Protein change: p.Ala1904Val; replaces alanine 1904 with valine.
Molecular consequence: missense variant.
Genome position (GRCh38, 1-based): chr8:99,642,301, C>T. VCF-style: chr8-99642301-C-T. GRCh37 (hg19) VCF-style: chr8-100654529-C-T.
Other names: c.5786C>T, p.Ala1929Val (NM_017890.5); short protein forms A1904V, A1929V.
Identifiers: ClinVar variation 3347976 (VCV003347976.2).

ClinVar aggregate classification (germline): Uncertain significance. Review status: no assertion criteria provided (0 of 4 stars). 2 submissions from 2 submitters: Uncertain significance (2). Last evaluated 2025-05-22.

Conditions:
VPS13B-related disorder. Also called: VPS13B-related condition.
Cohen syndrome (COH1). Also called: PEPPER SYNDROME; Cutis verticis gyrata, retinitis pigmentosa, and sensorineural deafness. Identifiers: Orphanet 193, MedGen C0265223, MONDO:0008999, OMIM 216550.

Submissions (2):

Natera, Inc.
Classification: Uncertain significance for Cohen syndrome. Last evaluated: 2025-05-22. Review status: no assertion criteria provided. Collection method: clinical testing. Allele origin: germline.

PreventionGenetics, part of Exact Sciences
Classification: Uncertain significance for VPS13B-related condition. Last evaluated: 2023-11-18. Review status: no assertion criteria provided. Collection method: clinical testing. Allele origin: germline.
Comment: The VPS13B c.5711C>T variant is predicted to result in the amino acid substitution p.Ala1904Val. To our knowledge, this variant has not been reported in the literature or in a large population database, indicating this variant is rare. At this time, the clinical significance of this variant is uncertain due to the absence of conclusive functional and genetic evidence.